The following is an entry in ClinVar:

ClinVar aggregate classification (germline): Pathogenic (1 of 4 stars; one submission).

Conditions:
Birt-Hogg-Dube syndrome. Also called: Birt Hogg Dubé syndrome. Identifiers: Orphanet 122, MedGen C0346010, MONDO:0800444.

Submission:

Labcorp Genetics (formerly Invitae), Labcorp
Classification: Pathogenic for Birt-Hogg-Dube syndrome. Last evaluated: 2025-02-09. Review status: criteria provided, single submitter. Criteria: Invitae Variant Classification Sherloc (09022015). Collection method: clinical testing. Allele origin: germline.
Comment: This sequence change creates a premature translational stop signal (p.Tyr463Serfs*5) in the FLCN gene. It is expected to result in an absent or disrupted protein product. Loss-of-function variants in FLCN are known to be pathogenic (PMID: 15852235). This variant is not present in population databases (gnomAD no frequency). This variant has not been reported in the literature in individuals affected with FLCN-related conditions. Algorithms developed to predict the effect of sequence changes on RNA splicing suggest that this variant may disrupt the consensus splice site. For these reasons, this variant has been classified as Pathogenic.

Literature cited by the submitters: PubMed 15852235.

NM_144997.7(FLCN):c.1388del (p.Tyr463fs)

Gene: FLCN (folliculin; minus strand). Cytogenetic location: 17p11.2.
Variant type: Deletion.
Coding change: c.1388del on transcript NM_144997.7 (MANE Select); coding-DNA position 1388, one base deleted (A; older notation c.1388delA).
Protein change: p.Tyr463fs; shifts the reading frame from tyrosine 463.
Molecular consequence: frameshift variant.
Genome position (GRCh38, 1-based): chr17:17,215,229, T deleted on the plus strand (A on the coding strand, the reverse complement: FLCN is on the minus strand). VCF-style (leftmost placement, unchanged base first): chr17-17215228-GT-G. GRCh37 (hg19) VCF-style: chr17-17118542-GT-G.
Other names: c.1442del, p.Tyr481fs (NM_001353229.2); c.1388del, p.Tyr463fs (NM_001353230.2, NM_001353231.2); short protein forms Y463fs, Y481fs.
Identifiers: ClinVar variation 4712633 (VCV004712633.1).